The following is an entry in ClinVar:

ClinVar aggregate classification (germline): Uncertain significance (1 of 4 stars; one submission).

Submission:

CeGaT Center for Human Genetics Tuebingen
Classification: Uncertain significance. Last evaluated: 2022-04-01. Review status: criteria provided, single submitter. Criteria: CeGaT Center For Human Genetics Tuebingen Variant Classification Criteria Version 2. Collection method: clinical testing. Allele origin: germline. Affected: yes. Observed: 1 variant allele.
Comment: FUS: PM2, PP4

NM_004960.4(FUS):c.1388A>G (p.His463Arg)

Gene: FUS (FUS DNA/RNA binding protein; plus strand). Cytogenetic location: 16p11.2.
Variant type: single nucleotide variant.
Coding change: c.1388A>G on transcript NM_004960.4 (MANE Select); coding-DNA position 1388, A replaced by G.
Protein change: p.His463Arg; replaces histidine 463 with arginine.
Molecular consequence: missense variant. On other transcripts: non-coding transcript variant (1).
Genome position (GRCh38, 1-based): chr16:31,190,837, A>G. VCF-style: chr16-31190837-A-G. GRCh37 (hg19) VCF-style: chr16-31202158-A-G.
Other names: c.1385A>G, p.His462Arg (NM_001170634.1); c.1376A>G, p.His459Arg (NM_001170937.1); short protein forms H459R, H462R, H463R.
Identifiers: ClinVar variation 1694795 (VCV001694795.31), dbSNP rs2144138846, ClinGen allele CA395675555.